The following is an entry in ClinVar:

ClinVar aggregate classification (germline): Pathogenic, low penetrance (1 of 4 stars; one submission).

Conditions:
Atypical hemolytic-uremic syndrome. Identifiers: Orphanet 2134, MedGen C2931788, MONDO:0016244.

gnomAD v4.1: 1 of 1,604,868 alleles (0.000062%); highest among the groups gnomAD compares: Non-Finnish European, 0.000085%; no homozygotes.

Submission:

Genomenon, Inc
Classification: Pathogenic, low penetrance for Atypical hemolytic-uremic syndrome. Last evaluated: 2025-10-02. Review status: criteria provided, single submitter. Criteria: Genomenon Sequence Variant Interpretation Standards - Updated. Collection method: curation. Allele origin: germline. Affected: yes.
Comment: CFH c.1874-1G>C is a canonical splice variant located in the acceptor splice region of intron 12. It is predicted to affect mRNA splicing, leading to a deleterious effect on the CFH protein. This variant has been observed in at least one proband affected with atypical hemolytic-uremic syndrome (PMID:30286829). It is absent or not present at a significant frequency in gnomAD. In conclusion, we classify CFH c.1874-1G>C as a pathogenic, low penetrance variant.

Literature cited by the submitters: PubMed 30286829.

NM_000186.4(CFH):c.1874-1G>C

Gene: CFH (complement factor H; plus strand). Cytogenetic location: 1q31.3.
Variant type: single nucleotide variant.
Coding change: c.1874-1G>C on transcript NM_000186.4 (MANE Select); the canonical splice acceptor site of the intron before coding-DNA position 1874, G replaced by C.
Molecular consequence: splice acceptor variant.
Genome position (GRCh38, 1-based): chr1:196,726,469, G>C. VCF-style: chr1-196726469-G-C. GRCh37 (hg19) VCF-style: chr1-196695599-G-C.
Identifiers: ClinVar variation 4291432 (VCV004291432.1).
Genomic context (GRCh38, chr1:196,726,469, plus strand): 5'-TGAATTTTTATATTGTAAAACAGACAATTTAACCATTATTTACATAGTATTTCTACTATA[G>C]AGCAAGTACAATCATGTGGTCCACCTCCTGAACTCCTCAATGGGAATGTTAAGGAAAAAA-3'